The following is an entry in ClinVar:

ClinVar aggregate classification (germline): Likely pathogenic (1 of 4 stars; one submission).

Conditions:
GLB1-related disorder. Also called: GLB1-related disorders. Identifiers: MedGen CN377807.

Submission:

Myriad Genetics, Inc.
Classification: Likely pathogenic for GLB1-related disorder. Last evaluated: 2021-12-31. Review status: criteria provided, single submitter. Criteria: Myriad Autosomal Dominant, Autosomal Recessive and X-Linked Classification Criteria (2023). Collection method: clinical testing. Allele origin: unknown.
Comment: NM_000404.2(GLB1):c.1023_1024delGG(D342Pfs*3) is expected to be pathogenic in the context of GLB1-related disorders. This variant is predicted to lead to an abnormal or absent protein product due to the creation of a premature termination codon in GLB1, a gene where loss-of-function variants are known to be pathogenic. Please note: this variant was assessed in the context of healthy population screening.

NM_000404.4(GLB1):c.1023_1024del (p.Asp342fs)

Gene: GLB1 (galactosidase beta 1; minus strand). Cytogenetic location: 3p22.3.
Variant type: Deletion.
Coding change: c.1023_1024del on transcript NM_000404.4 (MANE Select); coding-DNA positions 1023 to 1024, 2 bases deleted (GG; older notation c.1023_1024delGG).
Protein change: p.Asp342fs; shifts the reading frame from aspartic acid 342.
Molecular consequence: frameshift variant.
Genome position (GRCh38, 1-based): chr3:33,046,164-33,046,165, CC deleted on the plus strand (GG on the coding strand, the reverse complement: GLB1 is on the minus strand); deleting any 2 consecutive bases within chr3:33,046,164-33,046,167 gives the same sequence; the c. name uses the placement nearest the transcript's 3' end. VCF-style (leftmost placement, unchanged base first): chr3-33046163-TCC-T. GRCh37 (hg19) VCF-style: chr3-33087655-TCC-T.
Other names: c.933_934del, p.Asp312fs (NM_001079811.3); c.630_631del, p.Asp211fs (NM_001135602.3); c.1167_1168del, p.Asp390fs (NM_001317040.2); c.1023_1024del, p.Asp342fs (NM_001393580.1); short protein forms D211fs, D312fs, D342fs, D390fs.
Identifiers: ClinVar variation 1726739 (VCV001726739.3), dbSNP rs2471354329, ClinGen allele CA2580069248.